The following is an entry in ClinVar:

ClinVar aggregate classification (germline): Uncertain significance (1 of 4 stars; one submission).

Conditions:
Fanconi anemia complementation group J. Also called: BRIP1-Related Fanconi Anemia. Identifiers: Orphanet 84, MedGen C1836860, MONDO:0012187, OMIM 609054.
Familial cancer of breast. Also called: BREAST CANCER, FAMILIAL; Hereditary breast cancer; hereditary breast carcinoma. Identifiers: Orphanet 227535, MedGen C0346153, MONDO:0016419, OMIM 114480. Disease mechanism: loss of function.

Submission:

Labcorp Genetics (formerly Invitae), Labcorp
Classification: Uncertain significance for Familial cancer of breast; Fanconi anemia complementation group J. Last evaluated: 2025-07-18. Review status: criteria provided, single submitter. Criteria: Invitae Variant Classification Sherloc (09022015). Collection method: clinical testing. Allele origin: germline.
Comment: This sequence change inserts a large fragment of DNA, likely a transposable element, in exon 20 of the BRIP1 gene (c.2979_2980ins?), causing a frameshift at codon 994 (p.Asn994fs). The exact size and sequence of the insertion cannot be determined by the current assay. However, the insertion is expected to result in an absent or disrupted protein product. This variant is not present in population databases (gnomAD no frequency). This variant has not been reported in the literature in individuals affected with BRIP1-related conditions. ClinVar contains an entry for this variant (Variation ID: 2947527). Retrotransposon insertions including LINE1 (L1), Alu, and SVA (SINE-VNTR-Alu) have been reported to disrupt protein function (PMID: 19763152, 20307669, 22406018). However the effect of this particular variant is unknown. In summary, the available evidence is currently insufficient to determine the role of this variant in disease. Therefore, it has been classified as a Variant of Uncertain Significance.

Literature cited by the submitters: PubMed 19763152; PubMed 20307669; PubMed 22406018.

NM_032043.3(BRIP1):c.2979_2980insTTTTTTTTTTTTTTTTTTTTTTTTTTNNNNNNNNNNTATGAACTCATCATTTTTTATGGCTGCATAGTATTCCATGGTGTATATGTGCCACATTTTCTT (p.Phe993_Asn994insPhePhePhePhePhePhePhePheXaaXaaXaaXaaTyrGluLeuIleIlePheTyrGlyCysIleValPheHisGlyValTyrValProHisPheLeu)

Gene: BRIP1 (BRCA1 interacting DNA helicase 1; minus strand). Cytogenetic location: 17q23.2.
Variant type: Insertion.
Coding change: c.2979_2980insTTTTTTTTTTTTTTTTTTTTTTTTTTNNNNNNNNNNTATGAACTCATCATTTTTTATGGCTGCATAGTATTCCATGGTGTATATGTGCCACATTTTCTT on transcript NM_032043.3 (MANE Select); coding-DNA positions 2979 to 2980, TTTTTTTTTTTTTTTTTTTTTTTTTTNNNNNNNNNNTATGAACTCATCATTTTTTATGGCTGCATAGTATTCCATGGTGTATATGTGCCACATTTTCTT inserted.
Protein change: p.Phe993_Asn994insPhePhePhePhePhePhePhePheXaaXaaXaaXaaTyrGluLeuIleIlePheTyrGlyCysIleValPheHisGlyValTyrValProHisPheLeu.
Molecular consequence: inframe insertion.
Genome position: GRCh38: chr17:61,684,066-61,684,067. GRCh37 (hg19): chr17:59,761,427-59,761,428.
Identifiers: ClinVar variation 2947527 (VCV002947527.3), dbSNP rs2544561743.